The following is an entry in ClinVar:

ClinVar aggregate classification (germline): Uncertain significance (1 of 4 stars; one submission).

Submission:

Women's Health and Genetics/Laboratory Corporation of America, LabCorp
Classification: Uncertain significance. Last evaluated: 2026-06-15. Review status: criteria provided, single submitter. Criteria: LabCorp Variant Classification Summary - May 2015. Collection method: clinical testing. Allele origin: germline.
Comment: Variant summary: PPIL1 c.403G>C (p.Gly135Arg) results in a non-conservative amino acid change in the encoded protein sequence. Algorithms developed to predict the effect of missense changes on protein structure and function all suggest that this variant is likely to be disruptive. The variant was absent in 251398 control chromosomes. The available data on variant occurrences in the general population are insufficient to allow any conclusion about variant significance. To our knowledge, no occurrence of c.403G>C in individuals affected with PPIL1-related conditions and no experimental evidence demonstrating its impact on protein function have been reported. No submitters have cited clinical-significance assessments for this variant to ClinVar. Based on the evidence outlined above, the variant was classified as uncertain significance.

NM_016059.5(PPIL1):c.403G>C (p.Gly135Arg)

Gene: PPIL1 (peptidylprolyl isomerase like 1; minus strand). Cytogenetic location: 6p21.2.
Variant type: single nucleotide variant.
Coding change: c.403G>C on transcript NM_016059.5 (MANE Select); coding-DNA position 403, G replaced by C.
Protein change: p.Gly135Arg; replaces glycine 135 with arginine.
Molecular consequence: missense variant.
Genome position (GRCh38, 1-based): chr6:36,855,911, C>G on the plus strand (G>C on the coding strand, the complement: PPIL1 is on the minus strand). VCF-style: chr6-36855911-C-G. GRCh37 (hg19) VCF-style: chr6-36823687-C-G.
Other names: short protein forms G135R.
Identifiers: ClinVar variation 4887246 (VCV004887246.1).
Genomic context (GRCh38, chr6:36,855,911, plus strand): 5'-CCACAGGGCGGTCCTGGGAGTTTGTTTCTACCATTCCCACGCGATTCACCATTCCTATGC[C>G]CTGACACACTCGGCCAAAAATGGTGTGTTTGCCGTCAAGCCACTGGGTGGGGGCGAGGGT-3'
Protein context (NP_057143.1, residues 125-145): KHTIFGRVCQ[Gly135Arg]IGMVNRVGMV